The following is an entry in ClinVar:

ClinVar aggregate classification (germline): Uncertain significance (1 of 4 stars; one submission).

Conditions:
Maple syrup urine disease (MSUD). Identifiers: Orphanet 511, MedGen C0024776, MeSH D008375, MONDO:0009563. Disease mechanism: loss of function.

Submission:

Labcorp Genetics (formerly Invitae), Labcorp
Classification: Uncertain significance for Maple syrup urine disease. Last evaluated: 2024-09-28. Review status: criteria provided, single submitter. Criteria: Invitae Variant Classification Sherloc (09022015). Collection method: clinical testing. Allele origin: germline.
Comment: This sequence change replaces asparagine, which is neutral and polar, with lysine, which is basic and polar, at codon 391 of the BCKDHB protein (p.Asn391Lys). This variant is not present in population databases (gnomAD no frequency). This variant has not been reported in the literature in individuals affected with BCKDHB-related conditions. An algorithm developed to predict the effect of missense changes on protein structure and function (PolyPhen-2) suggests that this variant is likely to be tolerated. In summary, the available evidence is currently insufficient to determine the role of this variant in disease. Therefore, it has been classified as a Variant of Uncertain Significance.

NM_183050.4(BCKDHB):c.1173C>A (p.Asn391Lys)

Gene: BCKDHB (branched chain keto acid dehydrogenase E1 subunit beta; plus strand). Cytogenetic location: 6q14.1.
Variant type: single nucleotide variant.
Coding change: c.1173C>A on transcript NM_183050.4 (MANE Select); coding-DNA position 1173, C replaced by A.
Protein change: p.Asn391Lys; replaces asparagine 391 with lysine.
Molecular consequence: missense variant. On other transcripts: 3 prime UTR variant (1), non-coding transcript variant (4), intron variant (2).
Genome position (GRCh38, 1-based): chr6:80,343,798, C>A. VCF-style: chr6-80343798-C-A. GRCh37 (hg19) VCF-style: chr6-81053515-C-A.
Other names: c.1173C>A, p.Asn391Lys (NM_000056.5, NM_001424036.1); c.963C>A, p.Asn321Lys (NM_001318975.1, NM_001424043.1); c.*179C>A (NM_001424039.1); c.1038+70577C>A (NM_001424037.1); c.1039-10455C>A (NM_001424035.1); short protein forms N391K, N321K.
Identifiers: ClinVar variation 3730714 (VCV003730714.2).